The following is an entry in ClinVar:

ClinVar aggregate classification (germline): Conflicting classifications of pathogenicity. Review status: criteria provided, conflicting classifications (1 of 4 stars). 2 submissions from 2 submitters: Uncertain significance (1); Likely benign (1). Last evaluated 2025-08-29.

Allele frequency attached by ClinVar (database versions not stated): ExAC 0.00006.
gnomAD v4.1: 29 of 1,597,234 alleles (0.0018%); highest among the groups gnomAD compares: Middle Eastern, 0.016%; no homozygotes.

Submissions (2):

Ambry Genetics
Classification: Uncertain significance. Last evaluated: 2025-08-29. Review status: criteria provided, single submitter. Criteria: Ambry Variant Classification Scheme 2023. Collection method: clinical testing. Allele origin: germline.

CeGaT Center for Human Genetics Tuebingen
Classification: Likely benign. Last evaluated: 2022-04-01. Review status: criteria provided, single submitter. Criteria: CeGaT Center For Human Genetics Tuebingen Variant Classification Criteria Version 2. Collection method: clinical testing. Allele origin: germline. Affected: yes. Observed: 1 variant allele.
Comment: RUFY4: BP4

NM_198483.4(RUFY4):c.789G>C (p.Gln263His)

Gene: RUFY4 (RUN and FYVE domain containing 4; plus strand). Cytogenetic location: 2q35.
Variant type: single nucleotide variant.
Coding change: c.789G>C on transcript NM_198483.4 (MANE Select); coding-DNA position 789, G replaced by C.
Protein change: p.Gln263His; replaces glutamine 263 with histidine.
Molecular consequence: missense variant. On other transcripts: non-coding transcript variant (1).
Genome position (GRCh38, 1-based): chr2:218,075,281, G>C. VCF-style: chr2-218075281-G-C. GRCh37 (hg19) VCF-style: chr2-218940004-G-C.
Other names: c.789G>C (NM_198483.3); short protein forms Q263H.
Identifiers: ClinVar variation 2651874 (VCV002651874.25), dbSNP rs55688870, ClinGen allele CA2101340.
Genomic context (GRCh38, chr2:218,075,281, plus strand): 5'-GCATCTTCCTTTCTTTTTGGAAAAGAAGGGGGAAAGTTCCAGGAAACATAGGTACCCCCA[G>C]AGCATGTGGGAGCCAGAAGGGAAGGAGCTTCAGCTAGACCAGGAGGAAAGAGCCCCATGG-3'
Protein context (NP_940885.2, residues 253-273): GESSRKHRYP[Gln263His]SMWEPEGKEL